The following is an entry in ClinVar:

NM_020922.5(WNK3):c.2251G>C (p.Val751Leu)

Gene: WNK3 (WNK lysine deficient protein kinase 3; minus strand). Cytogenetic location: Xp11.22.
Variant type: single nucleotide variant.
Coding change: c.2251G>C on transcript NM_020922.5 (MANE Select); coding-DNA position 2251, G replaced by C.
Protein change: p.Val751Leu; replaces valine 751 with leucine.
Molecular consequence: missense variant.
Genome position (GRCh38, 1-based): chrX:54,254,075, C>G on the plus strand (G>C on the coding strand, the complement: WNK3 is on the minus strand). VCF-style: chrX-54254075-C-G. GRCh37 (hg19) VCF-style: chrX-54280508-C-G.
Other names: c.2251G>C, p.Val751Leu (NM_001002838.4, NM_001395166.1); short protein forms V751L.
Identifiers: ClinVar variation 3253113 (VCV003253113.1), dbSNP rs1160919797.

ClinVar aggregate classification (germline): Uncertain significance (1 of 4 stars; one submission).

Allele frequency attached by ClinVar (database versions not stated): gnomAD exomes below 0.00001; TOPMed below 0.00001.
gnomAD v4.1: 1 of 1,165,495 alleles (0.000086%); highest among the groups gnomAD compares: African/African-American, 0.0018%; no homozygotes.

Submission:

GeneDx
Classification: Uncertain significance. Last evaluated: 2024-05-10. Review status: criteria provided, single submitter. Criteria: GeneDx Variant Classification Process June 2021. Collection method: clinical testing. Allele origin: germline. Affected: yes.
Comment: In silico analysis supports that this missense variant has a deleterious effect on protein structure/function; Has not been previously published as pathogenic or benign to our knowledge